The following is an entry in ClinVar:

NM_000277.3(PAH):c.206C>T (p.Pro69Leu)

Gene: PAH (phenylalanine hydroxylase; minus strand). Cytogenetic location: 12q23.2.
Variant type: single nucleotide variant.
Coding change: c.206C>T on transcript NM_000277.3 (MANE Select); coding-DNA position 206, C replaced by T.
Protein change: p.Pro69Leu; replaces proline 69 with leucine.
Molecular consequence: missense variant.
Genome position (GRCh38, 1-based): chr12:102,894,881, G>A on the plus strand (C>T on the coding strand, the complement: PAH is on the minus strand). VCF-style: chr12-102894881-G-A. GRCh37 (hg19) VCF-style: chr12-103288659-G-A.
Other names: c.206C>T, p.Pro69Leu (NM_001354304.2); short protein forms P69L.
Identifiers: ClinVar variation 2705509 (VCV002705509.3), dbSNP rs1877434841, ClinGen allele CA386304208.

ClinVar aggregate classification (germline): Uncertain significance (1 of 4 stars; one submission).

Conditions:
Phenylketonuria (PKU). Also called: Phenylketonurias; FOLLING DISEASE; OLIGOPHRENIA PHENYLPYRUVICA; Phenylketonuria (PKU). Identifiers: Orphanet 716, MedGen C0031485, MONDO:0009861, OMIM 261600. Disease mechanism: loss of function.

Submission:

Labcorp Genetics (formerly Invitae), Labcorp
Classification: Uncertain significance for Phenylketonuria. Last evaluated: 2023-06-20. Review status: criteria provided, single submitter. Criteria: Invitae Variant Classification Sherloc (09022015). Collection method: clinical testing. Allele origin: germline.
Comment: In summary, the available evidence is currently insufficient to determine the role of this variant in disease. Therefore, it has been classified as a Variant of Uncertain Significance. This variant disrupts the p.Pro69 amino acid residue in PAH. Other variant(s) that disrupt this residue have been observed in individuals with PAH-related conditions (PMID: 15503242, 33803550), which suggests that this may be a clinically significant amino acid residue. Advanced modeling of protein sequence and biophysical properties (such as structural, functional, and spatial information, amino acid conservation, physicochemical variation, residue mobility, and thermodynamic stability) performed at Invitae indicates that this missense variant is not expected to disrupt PAH protein function. This variant has not been reported in the literature in individuals affected with PAH-related conditions. This variant is not present in population databases (gnomAD no frequency). This sequence change replaces proline, which is neutral and non-polar, with leucine, which is neutral and non-polar, at codon 69 of the PAH protein (p.Pro69Leu).

Literature cited by the submitters: PubMed 15503242; PubMed 33803550.